The following is an entry in ClinVar:

ClinVar aggregate classification (germline): Likely benign (0 of 4 stars; one submission).

Conditions:
ACACB-related disorder. Also called: ACACB-related condition.

gnomAD v4.1: 43 of 1,588,036 alleles (0.0027%); highest among the groups gnomAD compares: African/African-American, 0.058%; no homozygotes.

Submission:

PreventionGenetics, part of Exact Sciences
Classification: Likely benign for ACACB-related condition. Last evaluated: 2019-02-19. Review status: no assertion criteria provided. Collection method: clinical testing. Allele origin: germline.
Comment: This variant is classified as likely benign based on ACMG/AMP sequence variant interpretation guidelines (Richards et al. 2015 PMID: 25741868, with internal and published modifications).

NM_001093.4(ACACB):c.3792+8C>G

Gene: ACACB (acetyl-CoA carboxylase beta; plus strand). Cytogenetic location: 12q24.11.
Variant type: single nucleotide variant.
Coding change: c.3792+8C>G on transcript NM_001093.4 (MANE Select); 8 bases into the intron after coding-DNA position 3792, C replaced by G.
Molecular consequence: intron variant.
Genome position (GRCh38, 1-based): chr12:109,222,920, C>G. VCF-style: chr12-109222920-C-G. GRCh37 (hg19) VCF-style: chr12-109660725-C-G.
Other names: c.3792+8C>G (NM_001412734.1, NM_001412735.1); c.3165+8C>G (NM_001412737.1); c.3186+8C>G (NM_001412736.1, NM_001412739.1, NM_001412741.1); c.2997+8C>G (NM_001412738.1).
Identifiers: ClinVar variation 3058744 (VCV003058744.2), dbSNP rs372216302, ClinGen allele CA6774126.